The following is an entry in ClinVar:

NM_001130987.2(DYSF):c.1692+1G>C

Gene: DYSF (dysferlin; plus strand). Cytogenetic location: 2p13.2.
Variant type: single nucleotide variant.
Coding change: c.1692+1G>C on transcript NM_001130987.2 (MANE Select); the canonical splice donor site of the intron after coding-DNA position 1692, G replaced by C.
Molecular consequence: splice donor variant.
Genome position (GRCh38, 1-based): chr2:71,551,157, G>C. VCF-style: chr2-71551157-G-C. GRCh37 (hg19) VCF-style: chr2-71778287-G-C.
Other names: c.1731+1G>C (NM_001130979.2); c.1689+1G>C (NM_001130981.2, NM_001130980.2); c.1638+1G>C (NM_001130978.2, NM_003494.4); c.1596+1G>C (NM_001130977.2, NM_001130976.2); c.1734+1G>C (NM_001130982.2); c.1692+1G>C (NM_001130985.2); c.1641+1G>C (NM_001130983.2, NM_001130455.2); c.1599+1G>C (NM_001130984.2, NM_001130986.2).
Identifiers: ClinVar variation 2734214 (VCV002734214.4), dbSNP rs1319833991, ClinGen allele CA347217540.

ClinVar aggregate classification (germline): Pathogenic. Review status: criteria provided, multiple submitters, no conflicts (2 of 4 stars). 2 submissions from 2 submitters: Pathogenic (2). Last evaluated 2024-02-05.

Conditions:
Miyoshi muscular dystrophy 1 (MMD1). Identifiers: Orphanet 45448, MedGen C4551973, MONDO:0024545, OMIM 254130.
Neuromuscular disease caused by qualitative or quantitative defects of dysferlin. Also called: Qualitative or quantitative defects of dysferlin; Dysferlinopathy. Identifiers: Orphanet 207073, MedGen C2931687, MONDO:0016145.

Allele frequency attached by ClinVar (database versions not stated): gnomAD exomes below 0.00001.
gnomAD v4.1: 1 of 1,614,082 alleles (0.000062%); highest among the groups gnomAD compares: East Asian, 0.0022%; no homozygotes.

Submissions (2):

Baylor Genetics
Classification: Pathogenic for Miyoshi muscular dystrophy 1. Last evaluated: 2024-02-05. Review status: criteria provided, single submitter. Criteria: ACMG Guidelines, 2015. Collection method: clinical testing. Allele origin: unknown.

Labcorp Genetics (formerly Invitae), Labcorp
Classification: Pathogenic for Neuromuscular disease caused by qualitative or quantitative defects of dysferlin. Last evaluated: 2022-11-06. Review status: criteria provided, single submitter. Criteria: Invitae Variant Classification Sherloc (09022015). Collection method: clinical testing. Allele origin: germline.
Comment: For these reasons, this variant has been classified as Pathogenic. Algorithms developed to predict the effect of sequence changes on RNA splicing suggest that this variant may disrupt the consensus splice site. Disruption of this splice site has been observed in individual(s) with limb-girdle muscular dystrophy (PMID: 23254335). This variant is present in population databases (no rsID available, gnomAD 0.006%). This sequence change affects a donor splice site in intron 18 of the DYSF gene. It is expected to disrupt RNA splicing. Variants that disrupt the donor or acceptor splice site typically lead to a loss of protein function (PMID: 16199547), and loss-of-function variants in DYSF are known to be pathogenic (PMID: 17698709, 20301480).

Literature cited by the submitters: PubMed 23254335 (cited by Labcorp Genetics (formerly Invitae), Labcorp); PubMed 16199547 (cited by Labcorp Genetics (formerly Invitae), Labcorp); PubMed 17698709 (cited by Labcorp Genetics (formerly Invitae), Labcorp); PubMed 20301480 (cited by Labcorp Genetics (formerly Invitae), Labcorp).